The following is an entry in ClinVar:

ClinVar aggregate classification (germline): Uncertain significance. Review status: criteria provided, multiple submitters, no conflicts (2 of 4 stars). 3 submissions from 3 submitters: Uncertain significance (2). 1 of the submissions does not count toward it. Last evaluated 2023-10-17.

Conditions:
Deficiency of guanidinoacetate methyltransferase (CCDS2). Also called: GAMT DEFICIENCY; CEREBRAL CREATINE DEFICIENCY SYNDROME 2; Guanidinoacetate Methyltransferase (GAMT) Deficiency. Identifiers: Orphanet 382, MedGen C0574080, MONDO:0012999, OMIM 612736.
Cerebral creatine deficiency syndrome. Also called: Creatine deficiency syndromes. Identifiers: Orphanet 79172, MedGen C5244016, MONDO:0000456.

Allele frequency attached by ClinVar (database versions not stated): gnomAD 0.00001; gnomAD exomes 0.00001 and 0.00002; TOPMed 0.00001; ExAC 0.00003; ESP Exome Variant Server 0.00015.
gnomAD v4.1: 30 of 1,591,102 alleles (0.0019%); highest among the groups gnomAD compares: Admixed American, 0.0035%; no homozygotes.

Submissions (3):

Labcorp Genetics (formerly Invitae), Labcorp
Classification: Uncertain significance for Cerebral creatine deficiency syndrome. Last evaluated: 2023-10-17. Review status: criteria provided, single submitter. Criteria: Invitae Variant Classification Sherloc (09022015). Collection method: clinical testing. Allele origin: germline.
Comment: This sequence change replaces valine, which is neutral and non-polar, with isoleucine, which is neutral and non-polar, at codon 95 of the GAMT protein (p.Val95Ile). The frequency data for this variant in the population databases is considered unreliable, as metrics indicate poor data quality at this position in the gnomAD database. This variant has not been reported in the literature in individuals affected with GAMT-related conditions. ClinVar contains an entry for this variant (Variation ID: 965660). Advanced modeling of protein sequence and biophysical properties (such as structural, functional, and spatial information, amino acid conservation, physicochemical variation, residue mobility, and thermodynamic stability) has been performed at Invitae for this missense variant, however the output from this modeling did not meet the statistical confidence thresholds required to predict the impact of this variant on GAMT protein function. Experimental studies have shown that this missense change does not substantially affect GAMT function (PMID: 26003046). In summary, the available evidence is currently insufficient to determine the role of this variant in disease. Therefore, it has been classified as a Variant of Uncertain Significance.

Blueprint Genetics
Classification: Uncertain significance. Last evaluated: 2022-01-13. Review status: criteria provided, single submitter. Criteria: ACMG Guidelines, 2015. Collection method: clinical testing. Allele origin: germline.

Natera, Inc.
Classification: Uncertain significance for Guanidinoacetate methyltransferase deficiency. Last evaluated: 2020-11-30. Review status: no assertion criteria provided. Collection method: clinical testing. Allele origin: germline. Not counted in ClinVar's aggregate classification.

Literature cited by the submitters: PubMed 26003046 (cited by Labcorp Genetics (formerly Invitae), Labcorp).

NM_000156.6(GAMT):c.283G>A (p.Val95Ile)

Gene: GAMT (guanidinoacetate N-methyltransferase; minus strand). Cytogenetic location: 19p13.3.
Variant type: single nucleotide variant.
Coding change: c.283G>A on transcript NM_000156.6 (MANE Select); coding-DNA position 283, G replaced by A.
Protein change: p.Val95Ile; replaces valine 95 with isoleucine.
Molecular consequence: missense variant.
Genome position (GRCh38, 1-based): chr19:1,399,837, C>T on the plus strand (G>A on the coding strand, the complement: GAMT is on the minus strand). VCF-style: chr19-1399837-C-T. GRCh37 (hg19) VCF-style: chr19-1399836-C-T.
Other names: c.283G>A, p.Val95Ile (NM_138924.3); short protein forms V95I.
Identifiers: ClinVar variation 965660 (VCV000965660.6), dbSNP rs140778208, ClinGen allele CA9043749.
Genomic context (GRCh38, chr19:1,399,837, plus strand): 5'-GCGGGCAGAGGGGCACCTTGTGTGTCTGCCGTGGGGCCCAGTCCCGGAGCCGCTGGAAGA[C>T]GCCGTCATTGCACTCGATGATCCAATGCTCATCAATGGGCGCCTCCTGCACCTTTGACGC-3'
Protein context (NP_000147.1, residues 85-105): EHWIIECNDG[Val95Ile]FQRLRDWAPR